The following is an entry in ClinVar:

NM_022168.4(IFIH1):c.2744G>A (p.Cys915Tyr)

Gene: IFIH1 (interferon induced with helicase C domain 1; minus strand). Cytogenetic location: 2q24.2.
Variant type: single nucleotide variant.
Coding change: c.2744G>A on transcript NM_022168.4 (MANE Select); coding-DNA position 2744, G replaced by A.
Protein change: p.Cys915Tyr; replaces cysteine 915 with tyrosine.
Molecular consequence: missense variant.
Genome position (GRCh38, 1-based): chr2:162,268,150, C>T on the plus strand (G>A on the coding strand, the complement: IFIH1 is on the minus strand). VCF-style: chr2-162268150-C-T. GRCh37 (hg19) VCF-style: chr2-163124660-C-T.
Other names: c.2744G>A (NM_022168.3); short protein forms C915Y.
Identifiers: ClinVar variation 2047713 (VCV002047713.6), dbSNP rs2105187782, ClinGen allele CA348990908.

ClinVar aggregate classification (germline): Uncertain significance. Review status: criteria provided, multiple submitters, no conflicts (2 of 4 stars). 2 submissions from 2 submitters: Uncertain significance (2). Last evaluated 2024-07-12.

Conditions:
Singleton-Merten syndrome 1 (SGMRT1). Also called: Widened medullary cavities of bone, aortic calcification, abnormal dentition, and muscular weakness; Syndrome of widened medullary cavities of the metacarpals and phalanges, aortic calcification and abnormal dentition. Identifiers: Orphanet 85191, MedGen C4225427, MONDO:0024535, OMIM 182250.
Aicardi-Goutieres syndrome 7 (AGS7). Identifiers: Orphanet 51, MedGen C3888244, MONDO:0014367, OMIM 615846.

gnomAD v4.1: 3 of 1,611,258 alleles (0.00019%); highest among the groups gnomAD compares: African/African-American, 0.0013%; no homozygotes.

Submissions (2):

GeneDx
Classification: Uncertain significance. Last evaluated: 2024-07-12. Review status: criteria provided, single submitter. Criteria: GeneDx Variant Classification Process June 2021. Collection method: clinical testing. Allele origin: germline. Affected: yes.
Comment: Not observed at significant frequency in large population cohorts (gnomAD); In silico analysis supports that this missense variant has a deleterious effect on protein structure/function; Has not been previously published as pathogenic or benign to our knowledge

Labcorp Genetics (formerly Invitae), Labcorp
Classification: Uncertain significance for Aicardi-Goutieres syndrome 7; Singleton-Merten syndrome 1. Last evaluated: 2023-08-24. Review status: criteria provided, single submitter. Criteria: Invitae Variant Classification Sherloc (09022015). Collection method: clinical testing. Allele origin: germline.
Comment: This missense change has been observed in at least one individual who was not affected with IFIH1-related conditions (Invitae). In summary, the available evidence is currently insufficient to determine the role of this variant in disease. Therefore, it has been classified as a Variant of Uncertain Significance. Advanced modeling of protein sequence and biophysical properties (such as structural, functional, and spatial information, amino acid conservation, physicochemical variation, residue mobility, and thermodynamic stability) has been performed at Invitae for this missense variant, however the output from this modeling did not meet the statistical confidence thresholds required to predict the impact of this variant on IFIH1 protein function. ClinVar contains an entry for this variant (Variation ID: 2047713). This variant has not been reported in the literature in individuals affected with IFIH1-related conditions. This variant is not present in population databases (gnomAD no frequency). This sequence change replaces cysteine, which is neutral and slightly polar, with tyrosine, which is neutral and polar, at codon 915 of the IFIH1 protein (p.Cys915Tyr).